The following is an entry in ClinVar:

ClinVar aggregate classification (germline): Uncertain significance (1 of 4 stars; one submission).

gnomAD v4.1: 33 of 1,613,896 alleles (0.002%); highest among the groups gnomAD compares: East Asian, 0.011%; no homozygotes.

Submission:

Labcorp Genetics (formerly Invitae), Labcorp
Classification: Uncertain significance. Last evaluated: 2024-06-07. Review status: criteria provided, single submitter. Criteria: Invitae Variant Classification Sherloc (09022015). Collection method: clinical testing. Allele origin: germline.
Comment: This sequence change replaces arginine, which is basic and polar, with histidine, which is basic and polar, at codon 213 of the COLGALT1 protein (p.Arg213His). This variant is present in population databases (rs746718728, gnomAD 0.03%). This missense change has been observed in individual(s) with COLGALT1 related conditions (PMID: 33057194). Advanced modeling of protein sequence and biophysical properties (such as structural, functional, and spatial information, amino acid conservation, physicochemical variation, residue mobility, and thermodynamic stability) performed at Invitae indicates that this missense variant is expected to disrupt COLGALT1 protein function with a positive predictive value of 80%. In summary, the available evidence is currently insufficient to determine the role of this variant in disease. Therefore, it has been classified as a Variant of Uncertain Significance.

Literature cited by the submitters: PubMed 33057194.

NM_024656.4(COLGALT1):c.638G>A (p.Arg213His)

Gene: COLGALT1 (collagen beta(1-O)galactosyltransferase 1; plus strand). Cytogenetic location: 19p13.11.
Variant type: single nucleotide variant.
Coding change: c.638G>A on transcript NM_024656.4 (MANE Select); coding-DNA position 638, G replaced by A.
Protein change: p.Arg213His; replaces arginine 213 with histidine.
Molecular consequence: missense variant.
Genome position (GRCh38, 1-based): chr19:17,568,522, G>A. VCF-style: chr19-17568522-G-A. GRCh37 (hg19) VCF-style: chr19-17679331-G-A.
Other names: short protein forms R213H.
Identifiers: ClinVar variation 3701935 (VCV003701935.2).